The following is an entry in ClinVar:

NM_201525.4(ADGRG1):c.-36+10576G>A

Gene: ADGRG1 (adhesion G protein-coupled receptor G1; plus strand). Cytogenetic location: 16q21.
Variant type: single nucleotide variant.
Coding change: c.-36+10576G>A on transcript NM_201525.4 (MANE Select); 10576 bases into the intron after 36 bases upstream of the start codon, G replaced by A.
Molecular consequence: intron variant.
Genome position (GRCh38, 1-based): chr16:57,639,378, G>A. VCF-style: chr16-57639378-G-A. GRCh37 (hg19) VCF-style: chr16-57673290-G-A.
Other names: c.-719-2213G>A (NM_001370453.1); c.-153-2213G>A (NM_005682.7, NM_001145770.3, NM_001370434.1 and 7 more transcripts); c.-35-10875G>A (NM_001370433.1, NM_001370432.1, NM_001370439.1 and 4 more transcripts); c.-157-2209G>A (NM_201524.4, NM_001370440.1, NM_001370431.1 and 1 more transcripts); c.-36+10576G>A (NM_001145773.3, NM_001370429.1); c.-532-2213G>A (NM_001370454.1); c.-635-2213G>A (NM_001370451.1); c.-517-10875G>A (NM_001290143.2).
Identifiers: ClinVar variation 1480844 (VCV001480844.7), dbSNP rs557367277, ClinGen allele CA281566968.

ClinVar aggregate classification (germline): Likely benign. Review status: criteria provided, multiple submitters, no conflicts (2 of 4 stars). 2 submissions from 2 submitters: Likely benign (2). Last evaluated 2026-06-30.

Conditions:
ADGRG1-related disorder. Also called: ADGRG1-related condition.

Allele frequency attached by ClinVar (database versions not stated): 1000 Genomes Project 0.00020; 1000 Genomes Project 30x 0.00031; gnomAD 0.00048 and 0.00049; TOPMed 0.00049; gnomAD exomes 0.00132.
gnomAD v4.1: 1,157 of 985,304 alleles (0.12%); highest among the groups gnomAD compares: Non-Finnish European, 0.13%; 1 homozygote.

Submissions (2):

PreventionGenetics, part of Exact Sciences
Classification: Likely benign for ADGRG1-related condition. Last evaluated: 2026-06-30. Review status: criteria provided, single submitter. Criteria: ACMG Guidelines, 2015. Collection method: clinical testing. Allele origin: germline.
Comment: This variant is classified as likely benign based on ACMG/AMP sequence variant interpretation guidelines (Richards et al. 2015 PMID: 25741868, with internal and published modifications).

Labcorp Genetics (formerly Invitae), Labcorp
Classification: Likely benign. Last evaluated: 2026-01-28. Review status: criteria provided, single submitter. Criteria: Invitae Variant Classification Sherloc (09022015). Collection method: clinical testing. Allele origin: germline.